The following is an entry in ClinVar:

ClinVar aggregate classification (germline): Likely benign (1 of 4 stars; one submission).

Allele frequency attached by ClinVar (database versions not stated): gnomAD 0.00126; ExAC 0.00387; 1000 Genomes Project 0.00938.

Submission:

CeGaT Center for Human Genetics Tuebingen
Classification: Likely benign. Last evaluated: 2023-11-01. Review status: criteria provided, single submitter. Criteria: CeGaT Center For Human Genetics Tuebingen Variant Classification Criteria Version 2. Collection method: clinical testing. Allele origin: germline. Affected: yes. Observed: 2 variant alleles.
Comment: MUC4: BP4, BS2

NM_018406.7(MUC4):c.11832A>G (p.Ser3944=)

Gene: MUC4 (mucin 4, cell surface associated). Cytogenetic location: 3q29.
Variant type: single nucleotide variant.
Coding change: c.11832A>G on transcript NM_018406.7 (MANE Select); coding-DNA position 11832, A replaced by G.
Protein change: p.Ser3944=; no amino-acid change (serine 3944 retained).
Molecular consequence: synonymous variant. On other transcripts: genic upstream transcript variant (2).
Genome position (GRCh38, 1-based): chr3:195,779,748, T>C on the plus strand (A>G on the coding strand, the complement: MUC4 is on the minus strand). VCF-style: chr3-195779748-T-C. GRCh37 (hg19) VCF-style: chr3-195506619-T-C.
Other names: c.16986A>G, p.Ser5662= (NM_001322468.1); c.83-5443A>G (NM_138297.5); c.83-1293A>G (NM_004532.6).
Identifiers: ClinVar variation 2654401 (VCV002654401.24), dbSNP rs1335410285, ClinGen allele CA2769235.